The following is an entry in ClinVar:

NM_001376.5(DYNC1H1):c.13256T>C (p.Met4419Thr)

Gene: DYNC1H1 (dynein cytoplasmic 1 heavy chain 1; plus strand). Cytogenetic location: 14q32.31.
Variant type: single nucleotide variant.
Coding change: c.13256T>C on transcript NM_001376.5 (MANE Select); coding-DNA position 13256, T replaced by C.
Protein change: p.Met4419Thr; replaces methionine 4419 with threonine.
Molecular consequence: missense variant.
Genome position (GRCh38, 1-based): chr14:102,048,553, T>C. VCF-style: chr14-102048553-T-C. GRCh37 (hg19) VCF-style: chr14-102514890-T-C.
Other names: short protein forms M4419T.
Identifiers: ClinVar variation 2089425 (VCV002089425.5), dbSNP rs1053380753, ClinGen allele CA266987946.

ClinVar aggregate classification (germline): Uncertain significance. Review status: criteria provided, multiple submitters, no conflicts (2 of 4 stars). 2 submissions from 2 submitters: Uncertain significance (2). Last evaluated 2026-03-24.

Conditions:
Charcot-Marie-Tooth disease axonal type 2O. Also called: Charcot-Marie-Tooth Neuropathy Type 2O; Charcot-Marie-Tooth disease, axonal, type 20; CHARCOT-MARIE-TOOTH NEUROPATHY, AXONAL, TYPE 2O; CHARCOT-MARIE-TOOTH DISEASE, AXONAL, AUTOSOMAL DOMINANT, TYPE 2O. Identifiers: Orphanet 284232, MedGen C3280220, MONDO:0013644, OMIM 614228.

gnomAD v4.1: 1 of 1,614,194 alleles (0.000062%); no homozygotes.

Submissions (2):

GeneDx
Classification: Uncertain significance. Last evaluated: 2026-03-24. Review status: criteria provided, single submitter. Criteria: GeneDx Variant Classification Process June 2021. Collection method: clinical testing. Allele origin: germline.
Comment: Not observed at significant frequency in large population cohorts (gnomAD); In silico analysis suggests that this missense variant does not alter protein structure/function; Has not been previously published as pathogenic or benign to our knowledge; This variant is associated with the following publications: (PMID: 25512093, 25609763, 26100331)

Labcorp Genetics (formerly Invitae), Labcorp
Classification: Uncertain significance for Charcot-Marie-Tooth disease axonal type 2O. Last evaluated: 2022-01-26. Review status: criteria provided, single submitter. Criteria: Invitae Variant Classification Sherloc (09022015). Collection method: clinical testing. Allele origin: germline.
Comment: This variant is not present in population databases (gnomAD no frequency). This sequence change replaces methionine, which is neutral and non-polar, with threonine, which is neutral and polar, at codon 4419 of the DYNC1H1 protein (p.Met4419Thr). This variant has not been reported in the literature in individuals affected with DYNC1H1-related conditions. In summary, the available evidence is currently insufficient to determine the role of this variant in disease. Therefore, it has been classified as a Variant of Uncertain Significance. Advanced modeling of protein sequence and biophysical properties (such as structural, functional, and spatial information, amino acid conservation, physicochemical variation, residue mobility, and thermodynamic stability) performed at Invitae indicates that this missense variant is not expected to disrupt DYNC1H1 protein function.